The following is an entry in ClinVar:

ClinVar aggregate classification (germline): Uncertain significance (1 of 4 stars; one submission).

Conditions:
Multiple congenital anomalies-hypotonia-seizures syndrome 1 (MCAHS1). Also called: PIGN-CDG; Congenital disorder of glycosylation due to PIGN deficiency; GLYCOSYLPHOSPHATIDYLINOSITOL BIOSYNTHESIS DEFECT 3. Identifiers: Orphanet 280633, MedGen C3279775, MONDO:0013563, OMIM 614080.

Allele frequency attached by ClinVar (database versions not stated): gnomAD exomes below 0.00001; gnomAD 0.00001; TOPMed 0.00001.
gnomAD v4.1: 1 of 1,603,536 alleles (0.000062%); highest among the groups gnomAD compares: African/African-American, 0.0013%; no homozygotes.

Submission:

Labcorp Genetics (formerly Invitae), Labcorp
Classification: Uncertain significance for Multiple congenital anomalies-hypotonia-seizures syndrome 1. Last evaluated: 2022-02-11. Review status: criteria provided, single submitter. Criteria: Invitae Variant Classification Sherloc (09022015). Collection method: clinical testing. Allele origin: germline.
Comment: This variant has not been reported in the literature in individuals affected with PIGN-related conditions. This variant is present in population databases (no rsID available, gnomAD 0.007%). This sequence change replaces cysteine, which is neutral and slightly polar, with arginine, which is basic and polar, at codon 757 of the PIGN protein (p.Cys757Arg). ClinVar contains an entry for this variant (Variation ID: 1008147). In summary, the available evidence is currently insufficient to determine the role of this variant in disease. Therefore, it has been classified as a Variant of Uncertain Significance. Algorithms developed to predict the effect of missense changes on protein structure and function (SIFT, PolyPhen-2, Align-GVGD) all suggest that this variant is likely to be tolerated.

NM_176787.5(PIGN):c.2269T>C (p.Cys757Arg)

Gene: PIGN (phosphatidylinositol glycan anchor biosynthesis class N; minus strand). Cytogenetic location: 18q21.33.
Variant type: single nucleotide variant.
Coding change: c.2269T>C on transcript NM_176787.5 (MANE Select); coding-DNA position 2269, T replaced by C.
Protein change: p.Cys757Arg; replaces cysteine 757 with arginine.
Molecular consequence: missense variant.
Genome position (GRCh38, 1-based): chr18:62,090,490, A>G on the plus strand (T>C on the coding strand, the complement: PIGN is on the minus strand). VCF-style: chr18-62090490-A-G. GRCh37 (hg19) VCF-style: chr18-59757723-A-G.
Other names: c.2269T>C, p.Cys757Arg (NM_012327.6); short protein forms C757R.
Identifiers: ClinVar variation 1008147 (VCV001008147.10), dbSNP rs1228997937, ClinGen allele CA402602389.